The following is an entry in ClinVar:

NM_000875.5(IGF1R):c.*4512G>A

Gene: IGF1R (insulin like growth factor 1 receptor; plus strand). Cytogenetic location: 15q26.3.
Variant type: single nucleotide variant.
Coding change: c.*4512G>A on transcript NM_000875.5 (MANE Select); 4512 bases downstream of the stop codon, G replaced by A.
Molecular consequence: 3 prime UTR variant.
Genome position (GRCh38, 1-based): chr15:98,961,954, G>A. VCF-style: chr15-98961954-G-A. GRCh37 (hg19) VCF-style: chr15-99505183-G-A.
Other names: c.*4512G>A (NM_001291858.2).
Identifiers: ClinVar variation 885255 (VCV000885255.4), dbSNP rs572141274, ClinGen allele CA275339097.

ClinVar aggregate classification (germline): Benign (1 of 4 stars; one submission).

Conditions:
Growth delay due to insulin-like growth factor I resistance. Also called: Insulin-Like Growth Factor I Resistance; Somatomedin end-organ insensitivity to; Somatomedin-c resistance to; IGF-1 resistance; IGF-I RESISTANCE. Identifiers: Orphanet 73273, MedGen C1849157, MONDO:0010038, OMIM 270450.

Allele frequency attached by ClinVar (database versions not stated): TOPMed 0.00154; gnomAD exomes 0.00164; 1000 Genomes Project 30x 0.00500; 1000 Genomes Project 0.00519.
gnomAD v4.1: 267 of 233,350 alleles (0.11%); highest among the groups gnomAD compares: East Asian, 1.4%; no homozygotes.

Submission:

Illumina Laboratory Services, Illumina
Classification: Benign for Growth delay due to insulin-like growth factor I resistance. Last evaluated: 2018-01-13. Review status: criteria provided, single submitter. Criteria: ICSL Variant Classification Criteria 13 December 2019. Collection method: clinical testing. Allele origin: germline.
Comment: This variant was observed in the ICSL laboratory as part of a predisposition screen in an ostensibly healthy population. It had not been previously curated by ICSL or reported in the Human Gene Mutation Database (HGMD: prior to June 1st, 2018), and was therefore a candidate for classification through an automated scoring system. Utilizing variant allele frequency, disease prevalence and penetrance estimates, and inheritance mode, an automated score was calculated to assess if this variant is too frequent to cause the disease. Based on the score and internal cut-off values, a variant classified as benign is not then subjected to further curation. The score for this variant resulted in a classification of benign for this disease.